The following is an entry in ClinVar:

NM_144991.3(TSPEAR):c.1675T>C (p.Tyr559His)

Genes: TSPEAR (thrombospondin type laminin G domain and EAR repeats; minus strand), TSPEAR-AS1 (TSPEAR antisense RNA 1; plus strand), LOC126653398 (CDK7 strongly-dependent group 2 enhancer GRCh37_chr21:45928270-45929469; plus strand). Cytogenetic location: 21q22.3.
Variant type: single nucleotide variant.
Coding change: c.1675T>C on transcript NM_144991.3 (MANE Select); coding-DNA position 1675, T replaced by C.
Protein change: p.Tyr559His; replaces tyrosine 559 with histidine.
Molecular consequence: missense variant. On other transcripts: non-coding transcript variant (1).
Genome position (GRCh38, 1-based): chr21:44,509,278, A>G on the plus strand (T>C on the coding strand, the complement: TSPEAR is on the minus strand). VCF-style: chr21-44509278-A-G. GRCh37 (hg19) VCF-style: chr21-45929161-A-G.
Other names: c.1471T>C, p.Tyr491His (NM_001272037.2); short protein forms Y491H, Y559H.
Identifiers: ClinVar variation 684487 (VCV000684487.8), dbSNP rs781818534, ClinGen allele CA10056425.

ClinVar aggregate classification (germline): Uncertain significance (1 of 4 stars; one submission).

Conditions:
Autosomal recessive nonsyndromic hearing loss 98. Also called: Deafness, autosomal recessive 98. Identifiers: Orphanet 90636, MedGen C3553932, MONDO:0013929, OMIM 614861.

Allele frequency attached by ClinVar (database versions not stated): gnomAD exomes below 0.00001 and 0.00001; TOPMed below 0.00001; ExAC 0.00001; gnomAD 0.00001.
gnomAD v4.1: 15 of 1,613,966 alleles (0.00093%); highest among the groups gnomAD compares: Admixed American, 0.0017%; no homozygotes.

Submission:

Labcorp Genetics (formerly Invitae), Labcorp
Classification: Uncertain significance. Last evaluated: 2023-04-09. Review status: criteria provided, single submitter. Criteria: Invitae Variant Classification Sherloc (09022015). Collection method: clinical testing. Allele origin: germline.
Comment: In summary, the available evidence is currently insufficient to determine the role of this variant in disease. Therefore, it has been classified as a Variant of Uncertain Significance. Advanced modeling of protein sequence and biophysical properties (such as structural, functional, and spatial information, amino acid conservation, physicochemical variation, residue mobility, and thermodynamic stability) performed at Invitae indicates that this missense variant is not expected to disrupt TSPEAR protein function. ClinVar contains an entry for this variant (Variation ID: 684487). This variant has not been reported in the literature in individuals affected with TSPEAR-related conditions. This variant is present in population databases (rs781818534, gnomAD 0.0009%). This sequence change replaces tyrosine, which is neutral and polar, with histidine, which is basic and polar, at codon 559 of the TSPEAR protein (p.Tyr559His).